The following is an entry in ClinVar:

ClinVar aggregate classification (germline): Conflicting classifications of pathogenicity. Review status: criteria provided, conflicting classifications (1 of 4 stars). 2 submissions from 2 submitters: Uncertain significance (1); Likely benign (1). Last evaluated 2025-05-11.

Conditions:
Cardiovascular phenotype. Identifiers: MedGen CN230736.
Progressive familial heart block type IB (PFHB1B). Identifiers: Orphanet 871, MedGen C1970298, MONDO:0011474, OMIM 604559.

gnomAD v4.1: 1 of 1,613,760 alleles (0.000062%); highest among the groups gnomAD compares: Non-Finnish European, 0.000085%; no homozygotes.

Submissions (2):

Labcorp Genetics (formerly Invitae), Labcorp
Classification: Uncertain significance for Progressive familial heart block type IB. Last evaluated: 2025-05-11. Review status: criteria provided, single submitter. Criteria: Invitae Variant Classification Sherloc (09022015). Collection method: clinical testing. Allele origin: germline.
Comment: This sequence change replaces serine, which is neutral and polar, with proline, which is neutral and non-polar, at codon 1102 of the TRPM4 protein (p.Ser1102Pro). This variant is not present in population databases (gnomAD no frequency). This variant has not been reported in the literature in individuals affected with TRPM4-related conditions. ClinVar contains an entry for this variant (Variation ID: 1730017). An algorithm developed to predict the effect of missense changes on protein structure and function outputs the following: PolyPhen-2: "Benign". The proline amino acid residue is found in multiple mammalian species, which suggests that this missense change does not adversely affect protein function. In summary, the available evidence is currently insufficient to determine the role of this variant in disease. Therefore, it has been classified as a Variant of Uncertain Significance.

Ambry Genetics
Classification: Likely benign for Cardiovascular phenotype. Last evaluated: 2021-07-15. Review status: criteria provided, single submitter. Criteria: Ambry Variant Classification Scheme 2023. Collection method: clinical testing. Allele origin: germline.

NM_017636.4(TRPM4):c.3304T>C (p.Ser1102Pro)

Gene: TRPM4 (transient receptor potential cation channel subfamily M member 4; plus strand). Cytogenetic location: 19q13.33.
Variant type: single nucleotide variant.
Coding change: c.3304T>C on transcript NM_017636.4 (MANE Select); coding-DNA position 3304, T replaced by C.
Protein change: p.Ser1102Pro; replaces serine 1102 with proline.
Molecular consequence: missense variant.
Genome position (GRCh38, 1-based): chr19:49,210,381, T>C. VCF-style: chr19-49210381-T-C. GRCh37 (hg19) VCF-style: chr19-49713638-T-C.
Other names: c.2869T>C, p.Ser957Pro (NM_001195227.2); c.2959T>C, p.Ser987Pro (NM_001321281.2); c.1696T>C, p.Ser566Pro (NM_001321282.2); c.2782T>C, p.Ser928Pro (NM_001321283.2); c.2242T>C, p.Ser748Pro (NM_001321285.2); short protein forms S748P, S1102P, S928P, S957P, S987P, S566P.
Identifiers: ClinVar variation 1730017 (VCV001730017.3), dbSNP rs759574423, ClinGen allele CA406772164.
Genomic context (GRCh38, chr19:49,210,381, plus strand): 5'-ATCTCCCACTTGCGCCTCCTGCTCAGGCAATTGTGCAGGCGACCCCGGAGCCCCCAGCCG[T>C]CCTCCCCGGCCCTCGAGCATTTCCGTAAGAACAGAGCTTGGCTTAAAAAGGAGAAATATA-3'
Protein context (NP_060106.2, residues 1092-1112): LCRRPRSPQP[Ser1102Pro]SPALEHFRVY